The following is an entry in ClinVar:

ClinVar aggregate classification (germline): Uncertain significance. Review status: criteria provided, multiple submitters, no conflicts (2 of 4 stars). 2 submissions from 2 submitters: Uncertain significance (2). Last evaluated 2025-08-01.

Conditions:
Primary ciliary dyskinesia. Also called: Ciliary dyskinesia. Identifiers: Orphanet 244, MedGen C0008780, MONDO:0016575, HP:0012265.

Allele frequency attached by ClinVar (database versions not stated): gnomAD 0.00002 and 0.00004; TOPMed 0.00002; gnomAD exomes 0.00003; ExAC 0.00004.
gnomAD v4.1: 56 of 1,613,418 alleles (0.0035%); highest among the groups gnomAD compares: Non-Finnish European, 0.0045%; no homozygotes.

Submissions (2):

CeGaT Center for Human Genetics Tuebingen
Classification: Uncertain significance. Last evaluated: 2025-08-01. Review status: criteria provided, single submitter. Criteria: CeGaT Center For Human Genetics Tuebingen Variant Classification Criteria Version 2. Collection method: clinical testing. Allele origin: germline. Affected: yes. Observed: 1 variant allele.
Comment: DNAH8: PM2

Labcorp Genetics (formerly Invitae), Labcorp
Classification: Uncertain significance for Primary ciliary dyskinesia. Last evaluated: 2025-06-04. Review status: criteria provided, single submitter. Criteria: Invitae Variant Classification Sherloc (09022015). Collection method: clinical testing. Allele origin: germline.
Comment: This sequence change replaces lysine, which is basic and polar, with arginine, which is basic and polar, at codon 3840 of the DNAH8 protein (p.Lys3840Arg). This variant is present in population databases (rs759193789, gnomAD 0.008%). This variant has not been reported in the literature in individuals affected with DNAH8-related conditions. ClinVar contains an entry for this variant (Variation ID: 454540). Invitae Evidence Modeling of protein sequence and biophysical properties (such as structural, functional, and spatial information, amino acid conservation, physicochemical variation, residue mobility, and thermodynamic stability) indicates that this missense variant is not expected to disrupt DNAH8 protein function with a negative predictive value of 80%. In summary, the available evidence is currently insufficient to determine the role of this variant in disease. Therefore, it has been classified as a Variant of Uncertain Significance.

NM_001206927.2(DNAH8):c.11519A>G (p.Lys3840Arg)

Genes: DNAH8-AS1 (DNAH8 antisense RNA 1; minus strand), DNAH8 (dynein axonemal heavy chain 8; plus strand). Cytogenetic location: 6p21.2.
Variant type: single nucleotide variant.
Coding change: c.11519A>G on transcript NM_001206927.2 (MANE Select); coding-DNA position 11519, A replaced by G.
Protein change: p.Lys3840Arg; replaces lysine 3840 with arginine.
Molecular consequence: missense variant.
Genome position (GRCh38, 1-based): chr6:38,935,653, A>G. VCF-style: chr6-38935653-A-G. GRCh37 (hg19) VCF-style: chr6-38903429-A-G.
Other names: c.10868A>G, p.Lys3623Arg (NM_001371.4); short protein forms K3840R, K3623R.
Identifiers: ClinVar variation 454540 (VCV000454540.18), dbSNP rs759193789, ClinGen allele CA3791083.